The following is an entry in ClinVar:

ClinVar aggregate classification (germline): Benign. Review status: criteria provided, multiple submitters, no conflicts (2 of 4 stars). 12 submissions from 11 submitters: Benign (10). 2 of the submissions do not count toward it. Last evaluated 2026-02-04.

Conditions:
Nephrogenic syndrome of inappropriate antidiuresis (NSIAD). Identifiers: Orphanet 93606, MedGen C1845202, MONDO:0010356, OMIM 300539.
Diabetes insipidus, nephrogenic, X-linked. Also called: Nephrogenic Diabetes Insipidus, Type I. Identifiers: Orphanet 223, MedGen C1563705, MONDO:0010581, OMIM 304800.

Allele frequency attached by ClinVar (database versions not stated): gnomAD exomes 0.35233 and 0.47532; ExAC 0.47564; ESP Exome Variant Server 0.50222; gnomAD 0.50717 and 0.51235; TOPMed 0.54615; 1000 Genomes Project 0.68848; 1000 Genomes Project 30x 0.69095.
gnomAD v4.1: 444,438 of 1,204,137 alleles (37%); highest among the groups gnomAD compares: African/African-American, 87%; 66,424 homozygotes.

Submissions (12):

Labcorp Genetics (formerly Invitae), Labcorp
Classification: Benign. Last evaluated: 2026-02-04. Review status: criteria provided, single submitter. Criteria: Invitae Variant Classification Sherloc (09022015). Collection method: clinical testing. Allele origin: germline.

Blueprint Genetics
Classification: Benign. Last evaluated: 2024-11-28. Review status: criteria provided, single submitter. Criteria: ACMG Guidelines, 2015. Collection method: clinical testing. Allele origin: germline.

Mayo Clinic Laboratories, Mayo Clinic
Classification: Benign. Last evaluated: 2022-03-09. Review status: criteria provided, single submitter. Criteria: ACMG Guidelines, 2015. Collection method: clinical testing. Allele origin: germline. Observed: 91 variant alleles.

Genome-Nilou Lab
Classification: Benign for Nephrogenic syndrome of inappropriate antidiuresis. Last evaluated: 2021-07-14. Review status: criteria provided, single submitter. Criteria: ACMG Guidelines, 2015. Collection method: clinical testing. Allele origin: germline. Affected: no.

Genome-Nilou Lab
Classification: Benign for Diabetes insipidus, nephrogenic, X-linked. Last evaluated: 2021-07-14. Review status: criteria provided, single submitter. Criteria: ACMG Guidelines, 2015. Collection method: clinical testing. Allele origin: germline. Affected: no.

GeneDx
Classification: Benign. Last evaluated: 2018-11-10. Review status: criteria provided, single submitter. Criteria: GeneDx Variant Classification Process June 2021. Collection method: clinical testing. Allele origin: germline. Affected: yes.

Illumina Laboratory Services, Illumina
Classification: Benign for Diabetes insipidus, nephrogenic, X-linked. Last evaluated: 2018-01-12. Review status: criteria provided, single submitter. Criteria: ICSL Variant Classification Criteria 13 December 2019. Collection method: clinical testing. Allele origin: germline.
Comment: This variant was observed in the ICSL laboratory as part of a predisposition screen in an ostensibly healthy population. It had not been previously curated by ICSL or reported in the Human Gene Mutation Database (HGMD: prior to June 1st, 2018), and was therefore a candidate for classification through an automated scoring system. Utilizing variant allele frequency, disease prevalence and penetrance estimates, and inheritance mode, an automated score was calculated to assess if this variant is too frequent to cause the disease. Based on the score and internal cut-off values, a variant classified as benign is not then subjected to further curation. The score for this variant resulted in a classification of benign for this disease.

Athena Diagnostics
Classification: Benign. Last evaluated: 2017-07-26. Review status: criteria provided, single submitter. Criteria: Athena Diagnostics Criteria. Collection method: clinical testing. Allele origin: germline.

Breakthrough Genomics
Classification: Benign. Review status: criteria provided, single submitter. Criteria: ACMG Guidelines, 2015. Collection method: not provided. Allele origin: germline. Inheritance: X-linked inheritance. Affected: yes.

PreventionGenetics, part of Exact Sciences
Classification: Benign. Review status: criteria provided, single submitter. Criteria: ACMG Guidelines, 2015. Collection method: clinical testing. Allele origin: germline.

Diagnostic Laboratory, Department of Genetics, University Medical Center Groningen
Classification: Benign. Review status: no assertion criteria provided. Collection method: clinical testing. Allele origin: germline. Affected: yes. Study: VKGL Data-share Consensus. Not counted in ClinVar's aggregate classification.

Genome Diagnostics Laboratory, University Medical Center Utrecht
Classification: Benign. Review status: no assertion criteria provided. Collection method: clinical testing. Allele origin: germline. Affected: yes. Study: VKGL Data-share Consensus. Not counted in ClinVar's aggregate classification.

NM_000054.7(AVPR2):c.927A>G (p.Leu309=)

Gene: AVPR2 (arginine vasopressin receptor 2; plus strand). Cytogenetic location: Xq28.
Variant type: single nucleotide variant.
Coding change: c.927A>G on transcript NM_000054.7 (MANE Select); coding-DNA position 927, A replaced by G.
Protein change: p.Leu309=; no amino-acid change (leucine 309 retained).
Molecular consequence: synonymous variant. On other transcripts: 3 prime UTR variant (1), non-coding transcript variant (1).
Genome position (GRCh38, 1-based): chrX:153,906,539, A>G. VCF-style: chrX-153906539-A-G. GRCh37 (hg19) VCF-style: chrX-153171993-A-G.
Other names: p.Leu309=; c.*103A>G (NM_001146151.3).
Identifiers: ClinVar variation 254775 (VCV000254775.22), dbSNP rs5201, ClinGen allele CA10555113.